The following is an entry in ClinVar:

NM_001184.4(ATR):c.4596T>G (p.Ile1532Met)

Gene: ATR (ATR checkpoint kinase; minus strand). Cytogenetic location: 3q23.
Variant type: single nucleotide variant.
Coding change: c.4596T>G on transcript NM_001184.4 (MANE Select); coding-DNA position 4596, T replaced by G.
Protein change: p.Ile1532Met; replaces isoleucine 1532 with methionine.
Molecular consequence: missense variant.
Genome position (GRCh38, 1-based): chr3:142,513,546, A>C on the plus strand (T>G on the coding strand, the complement: ATR is on the minus strand). VCF-style: chr3-142513546-A-C. GRCh37 (hg19) VCF-style: chr3-142232388-A-C.
Other names: c.4404T>G, p.Ile1468Met (NM_001354579.2); short protein forms I1468M, I1532M.
Identifiers: ClinVar variation 3221168 (VCV003221168.1), dbSNP rs1207964627, ClinGen allele CA354796849.
Genomic context (GRCh38, chr3:142,513,546, plus strand): 5'-GATGATTTATCTCACCTCCTGCTGATCTTCTTGATTACAACCCAGTAAGACATACACCAG[A>C]ATATGTGGAAGAAGATAGATGGTCACTTTGAAATCATGCTTCATCATAATGCTACAGCAG-3'
Protein context (NP_001175.2, residues 1522-1542): FKVTIYLLPH[Ile1532Met]LVYVLLGCNQ

ClinVar aggregate classification (germline): Uncertain significance (1 of 4 stars; one submission).

Conditions:
Inborn genetic diseases. Identifiers: MedGen C0950123, MeSH D030342.

Allele frequency attached by ClinVar (database versions not stated): gnomAD exomes below 0.00001.
gnomAD v4.1: 2 of 1,613,298 alleles (0.00012%); highest among the groups gnomAD compares: Non-Finnish European, 0.00017%; no homozygotes.

Submission:

Ambry Genetics
Classification: Uncertain significance for Inborn genetic diseases. Last evaluated: 2023-10-11. Review status: criteria provided, single submitter. Criteria: Ambry Variant Classification Scheme 2023. Collection method: clinical testing. Allele origin: germline.
Comment: The p.I1532M variant (also known as c.4596T>G), located in coding exon 26 of the ATR gene, results from a T to G substitution at nucleotide position 4596. The isoleucine at codon 1532 is replaced by methionine, an amino acid with highly similar properties. This amino acid position is conserved. In addition, this alteration is predicted to be tolerated by in silico analysis. Since supporting evidence is limited at this time, the clinical significance of this alteration remains unclear.